The following is an entry in ClinVar:

ClinVar aggregate classification (germline): Uncertain significance. Review status: criteria provided, multiple submitters, no conflicts (2 of 4 stars). 2 submissions from 2 submitters: Uncertain significance (2). Last evaluated 2024-03-25.

Conditions:
Inborn genetic diseases. Identifiers: MedGen C0950123, MeSH D030342.

Allele frequency attached by ClinVar (database versions not stated): TOPMed 0.00002; gnomAD 0.00003.
gnomAD v4.1: 57 of 1,614,118 alleles (0.0035%); highest among the groups gnomAD compares: Non-Finnish European, 0.0047%; no homozygotes.

Submissions (2):

Ambry Genetics
Classification: Uncertain significance for Inborn genetic diseases. Last evaluated: 2024-03-25. Review status: criteria provided, single submitter. Criteria: Ambry Variant Classification Scheme 2023. Collection method: clinical testing. Allele origin: germline.

Labcorp Genetics (formerly Invitae), Labcorp
Classification: Uncertain significance. Last evaluated: 2022-07-12. Review status: criteria provided, single submitter. Criteria: Invitae Variant Classification Sherloc (09022015). Collection method: clinical testing. Allele origin: germline.
Comment: This sequence change replaces aspartic acid, which is acidic and polar, with asparagine, which is neutral and polar, at codon 1076 of the HPS5 protein (p.Asp1076Asn). This variant is present in population databases (rs780119665, gnomAD 0.003%). This variant has not been reported in the literature in individuals affected with HPS5-related conditions. ClinVar contains an entry for this variant (Variation ID: 1380857). Algorithms developed to predict the effect of missense changes on protein structure and function (SIFT, PolyPhen-2, Align-GVGD) all suggest that this variant is likely to be tolerated. In summary, the available evidence is currently insufficient to determine the role of this variant in disease. Therefore, it has been classified as a Variant of Uncertain Significance.

NM_181507.2(HPS5):c.3226G>A (p.Asp1076Asn)

Gene: HPS5 (HPS5 biogenesis of lysosomal organelles complex 2 subunit 2; minus strand). Cytogenetic location: 11p15.1.
Variant type: single nucleotide variant.
Coding change: c.3226G>A on transcript NM_181507.2 (MANE Select); coding-DNA position 3226, G replaced by A.
Protein change: p.Asp1076Asn; replaces aspartic acid 1076 with asparagine.
Molecular consequence: missense variant.
Genome position (GRCh38, 1-based): chr11:18,282,053, C>T on the plus strand (G>A on the coding strand, the complement: HPS5 is on the minus strand). VCF-style: chr11-18282053-C-T. GRCh37 (hg19) VCF-style: chr11-18303600-C-T.
Other names: c.2884G>A, p.Asp962Asn (NM_007216.4, NM_181508.2); short protein forms D962N, D1076N.
Identifiers: ClinVar variation 1380857 (VCV001380857.6), dbSNP rs780119665, ClinGen allele CA5909622.
Genomic context (GRCh38, chr11:18,282,053, plus strand): 5'-TAAACTTCTCTGACAACTCAAGGGCCAGACCACATTCCTGTAGCAGTGACCAAGCCCGAT[C>T]TGGGCCCATGGCCTTAGCTAACAGAAGTGCCACATTCTCCACATTGATGGGGGAAGGCCC-3'
Protein context (NP_852608.1, residues 1066-1086): ALLLAKAMGP[Asp1076Asn]RAWSLLQECG